The following is an entry in ClinVar:

ClinVar aggregate classification (germline): Likely benign. Review status: criteria provided, multiple submitters, no conflicts (2 of 4 stars). 3 submissions from 3 submitters: Likely benign (2). 1 of the submissions does not count toward it. Last evaluated 2026-05-01.

Conditions:
SETD1B-related disorder. Also called: SETD1B-related condition.

Allele frequency attached by ClinVar (database versions not stated): gnomAD exomes 0.00002; TOPMed 0.00006; gnomAD 0.00007; ExAC 0.00011; 1000 Genomes Project 0.00020; 1000 Genomes Project 30x 0.00047.
gnomAD v4.1: 47 of 1,537,566 alleles (0.0031%); highest among the groups gnomAD compares: Middle Eastern, 0.017%; no homozygotes.

Submissions (3):

CeGaT Center for Human Genetics Tuebingen
Classification: Likely benign. Last evaluated: 2026-05-01. Review status: criteria provided, single submitter. Criteria: CeGaT Center For Human Genetics Tuebingen Variant Classification Criteria Version 2. Collection method: clinical testing. Allele origin: germline. Affected: yes. Observed: 1 variant allele.
Comment: SETD1B: BP4, BP7

Blueprint Genetics
Classification: Likely benign. Last evaluated: 2023-11-20. Review status: criteria provided, single submitter. Criteria: ACMG Guidelines, 2015. Collection method: clinical testing. Allele origin: germline.

PreventionGenetics, part of Exact Sciences
Classification: Likely benign for SETD1B-related condition. Last evaluated: 2020-01-10. Review status: no assertion criteria provided. Collection method: clinical testing. Allele origin: germline. Not counted in ClinVar's aggregate classification.
Comment: This variant is classified as likely benign based on ACMG/AMP sequence variant interpretation guidelines (Richards et al. 2015 PMID: 25741868, with internal and published modifications).

NM_001353345.2(SETD1B):c.4389C>T (p.Ala1463=)

Gene: SETD1B (SET domain containing 1B, histone lysine methyltransferase; plus strand). Cytogenetic location: 12q24.31.
Variant type: single nucleotide variant.
Coding change: c.4389C>T on transcript NM_001353345.2 (MANE Select); coding-DNA position 4389, C replaced by T.
Protein change: p.Ala1463=; no amino-acid change (alanine 1463 retained).
Molecular consequence: synonymous variant.
Genome position (GRCh38, 1-based): chr12:121,822,968, C>T. VCF-style: chr12-121822968-C-T. GRCh37 (hg19) VCF-style: chr12-122260874-C-T.
Other names: NM_015048.1:c.4260C>T.
Identifiers: ClinVar variation 3051752 (VCV003051752.5), dbSNP rs574590466, ClinGen allele CA6839179.